The following is an entry in ClinVar:

NM_001080517.3(SETD5):c.902A>G (p.Tyr301Cys)

Gene: SETD5 (SET domain containing 5; plus strand). Cytogenetic location: 3p25.3.
Variant type: single nucleotide variant.
Coding change: c.902A>G on transcript NM_001080517.3 (MANE Select); coding-DNA position 902, A replaced by G.
Protein change: p.Tyr301Cys; replaces tyrosine 301 with cysteine.
Molecular consequence: missense variant.
Genome position (GRCh38, 1-based): chr3:9,441,684, A>G. VCF-style: chr3-9441684-A-G. GRCh37 (hg19) VCF-style: chr3-9483368-A-G.
Other names: c.608A>G, p.Tyr203Cys (NM_001292043.2, NM_001349451.2); c.902A>G (NM_001080517.1); short protein forms Y203C, Y301C.
Identifiers: ClinVar variation 3897555 (VCV003897555.2).

ClinVar aggregate classification (germline): Conflicting classifications of pathogenicity. Review status: criteria provided, conflicting classifications (1 of 4 stars). 2 submissions from 2 submitters: Likely pathogenic (1); Uncertain significance (1). Last evaluated 2026-03-30.

Conditions:
Intellectual disability-facial dysmorphism syndrome due to SETD5 haploinsufficiency (MRD23). Also called: Intellectual developmental disorder, autosomal dominant 23. Identifiers: Orphanet 404440, MedGen C3810406, MONDO:0014336, OMIM 615761.

Submissions (2):

GeneDx
Classification: Uncertain significance. Last evaluated: 2026-03-30. Review status: criteria provided, single submitter. Criteria: GeneDx Variant Classification Process June 2021. Collection method: clinical testing. Allele origin: germline.
Comment: Not observed at significant frequency in large population cohorts (gnomAD); In silico analysis supports that this missense variant has a deleterious effect on protein structure/function; Has not been previously published as pathogenic or benign to our knowledge.

Institute of Immunology and Genetics Kaiserslautern
Classification: Likely pathogenic for Intellectual disability-facial dysmorphism syndrome due to SETD5 haploinsufficiency. Last evaluated: 2025-02-05. Review status: criteria provided, single submitter. Criteria: ACMG Guidelines, 2015. Collection method: clinical testing. Allele origin: de novo. Affected: yes.
Comment: ACMG Criteria: PS2, PM2_P, PP3; Variant was found in heterozygous state. De novo-status was confirmed via in-house segregation analysis.